The following is an entry in ClinVar:

ClinVar aggregate classification (germline): Benign/Likely benign. Review status: criteria provided, multiple submitters, no conflicts (2 of 4 stars). 5 submissions from 5 submitters: Benign (2); Likely benign (3). Last evaluated 2026-07-01.

Conditions:
Familial adenomatous polyposis 2. Also called: MUTYH-related attenuated familial adenomatous polyposis; MUTYH-associated polyposis; Adenomas, multiple colorectal; COLORECTAL ADENOMATOUS POLYPOSIS, AUTOSOMAL RECESSIVE; ADENOMAS, MULTIPLE COLORECTAL, AUTOSOMAL RECESSIVE; MYH-associated polyposis. Identifiers: Orphanet 220460, Orphanet 247798, MedGen C3272841, MONDO:0012041, OMIM 608456.
Hereditary cancer-predisposing syndrome. Also called: Hereditary neoplastic syndrome; Tumor predisposition; Neoplastic Syndromes, Hereditary; Hereditary Cancer Syndrome. Identifiers: Orphanet 140162, MedGen C0027672, MeSH D009386, MONDO:0015356.

Allele frequency attached by ClinVar (database versions not stated): 1000 Genomes Project 30x 0.00031; gnomAD exomes 0.00036 and 0.00056; 1000 Genomes Project 0.00040; ExAC 0.00047; gnomAD 0.00061 and 0.00071; TOPMed 0.00070; ESP Exome Variant Server 0.00077.
gnomAD v4.1: 653 of 1,601,110 alleles (0.041%); highest among the groups gnomAD compares: Middle Eastern, 0.78%; 6 homozygotes.

Submissions (5):

CeGaT Center for Human Genetics Tuebingen
Classification: Likely benign. Last evaluated: 2026-07-01. Review status: criteria provided, single submitter. Criteria: CeGaT Center For Human Genetics Tuebingen Variant Classification Criteria Version 2. Collection method: clinical testing. Allele origin: germline. Affected: yes. Observed: 2 variant alleles.
Comment: MUTYH: BS2

Labcorp Genetics (formerly Invitae), Labcorp
Classification: Benign for Familial adenomatous polyposis 2. Last evaluated: 2025-07-21. Review status: criteria provided, single submitter. Criteria: Invitae Variant Classification Sherloc (09022015). Collection method: clinical testing. Allele origin: germline.

Center for Genomic Medicine, Rigshospitalet, Copenhagen University Hospital
Classification: Likely benign. Last evaluated: 2025-03-04. Review status: criteria provided, single submitter. Criteria: ACMG Guidelines, 2015. Collection method: clinical testing. Allele origin: germline.

Sema4
Classification: Likely benign for Hereditary cancer-predisposing syndrome. Last evaluated: 2021-03-29. Review status: criteria provided, single submitter. Criteria: Sema4 Curation Guidelines. Collection method: curation. Allele origin: germline.

Breakthrough Genomics
Classification: Benign. Review status: criteria provided, single submitter. Criteria: ACMG Guidelines, 2015. Collection method: not provided. Allele origin: germline. Inheritance: Autosomal recessive inheritance. Affected: yes.

NM_001048174.2(MUTYH):c.1393-28G>A

Gene: MUTYH (mutY DNA glycosylase; minus strand). Cytogenetic location: 1p34.1.
Variant type: single nucleotide variant.
Coding change: c.1393-28G>A on transcript NM_001048174.2 (MANE Select); 28 bases into the intron before coding-DNA position 1393, G replaced by A.
Molecular consequence: intron variant.
Genome position (GRCh38, 1-based): chr1:45,330,585, C>T on the plus strand (G>A on the coding strand, the complement: MUTYH is on the minus strand). VCF-style: chr1-45330585-C-T. GRCh37 (hg19) VCF-style: chr1-45796257-C-T.
Other names: c.1048-28G>A (NM_001350651.2, NM_001350650.2); c.1117-28G>A (NM_001293192.2, NM_001293196.2); c.1393-28G>A (NM_001048171.2, NM_001048173.2, NM_001293195.2); c.1438-28G>A (NM_001293190.2); c.1468-28G>A (NM_012222.3); c.1477-28G>A (NM_001128425.2); c.1396-28G>A (NM_001048172.2); c.1426-28G>A (NM_001293191.2).
Identifiers: ClinVar variation 1165083 (VCV001165083.14), dbSNP rs373226007, ClinGen allele CA056550.